The following is an entry in ClinVar:

ClinVar aggregate classification (germline): Uncertain significance (1 of 4 stars; one submission).

Conditions:
Polycystic kidney disease, adult type (PKD1). Also called: POLYCYSTIC KIDNEY DISEASE 1 WITH OR WITHOUT POLYCYSTIC LIVER DISEASE; Polycystic Kidney Disease 1, Autosomal Dominant; Polycystic kidney disease 1; Polycystic kidney disease 1, severe; Polycystic Kidney, Autosomal Dominant; POLYCYSTIC KIDNEY DISEASE, ADULT, TYPE I. Identifiers: MedGen C3149841, MONDO:0008263, OMIM 173900.

Submission:

Cavalleri Lab, Royal College of Surgeons in Ireland
Classification: Uncertain significance for Polycystic kidney disease, adult type. Last evaluated: 2020-02-05. Review status: criteria provided, single submitter. Criteria: ACMG Guidelines, 2015. Collection method: research. Allele origin: unknown. Inheritance: Autosomal dominant inheritance. Affected: yes.
Comment: PM2, PP3, PP4

NM_001009944.3(PKD1):c.10946C>A (p.Pro3649His)

Genes: PKD1 (polycystin 1, transient receptor potential channel interacting; minus strand), PKD1-AS1 (PKD1 antisense RNA 1; plus strand). Cytogenetic location: 16p13.3.
Variant type: single nucleotide variant.
Coding change: c.10946C>A on transcript NM_001009944.3 (MANE Select); coding-DNA position 10946, C replaced by A.
Protein change: p.Pro3649His; replaces proline 3649 with histidine.
Molecular consequence: missense variant.
Genome position (GRCh38, 1-based): chr16:2,093,614, G>T on the plus strand (C>A on the coding strand, the complement: PKD1 is on the minus strand). VCF-style: chr16-2093614-G-T. GRCh37 (hg19) VCF-style: chr16-2143615-G-T.
Other names: c.10943C>A, p.Pro3648His (NM_000296.4); short protein forms P3648H, P3649H.
Identifiers: ClinVar variation 873332 (VCV000873332.1), dbSNP rs2091706289, ClinGen allele CA394338803.